The following is an entry in ClinVar:

NM_022788.5(P2RY12):c.571A>T (p.Asn191Tyr)

Genes: MED12L (mediator complex subunit 12L; plus strand), P2RY12 (purinergic receptor P2Y12; minus strand). Cytogenetic location: 3q25.1.
Variant type: single nucleotide variant.
Coding change: c.571A>T on transcript NM_022788.5 (MANE Select); coding-DNA position 571, A replaced by T.
Protein change: p.Asn191Tyr; replaces asparagine 191 with tyrosine.
Molecular consequence: missense variant. On other transcripts: intron variant (2).
Genome position (GRCh38, 1-based): chr3:151,338,275, T>A on the plus strand (A>T on the coding strand, the complement: P2RY12 is on the minus strand). VCF-style: chr3-151338275-T-A. GRCh37 (hg19) VCF-style: chr3-151056063-T-A.
Other names: c.571A>T, p.Asn191Tyr (NM_176876.3); c.2251-11784T>A (NM_001393769.1); c.2146-11784T>A (NM_053002.6); short protein forms N191Y.
Identifiers: ClinVar variation 2820139 (VCV002820139.3), dbSNP rs976052391, ClinGen allele CA354980965.

ClinVar aggregate classification (germline): Uncertain significance (1 of 4 stars; one submission).

Submission:

Labcorp Genetics (formerly Invitae), Labcorp
Classification: Uncertain significance. Last evaluated: 2023-01-13. Review status: criteria provided, single submitter. Criteria: Invitae Variant Classification Sherloc (09022015). Collection method: clinical testing. Allele origin: germline.
Comment: Algorithms developed to predict the effect of missense changes on protein structure and function (SIFT, PolyPhen-2, Align-GVGD) all suggest that this variant is likely to be disruptive. In summary, the available evidence is currently insufficient to determine the role of this variant in disease. Therefore, it has been classified as a Variant of Uncertain Significance. This variant has not been reported in the literature in individuals affected with P2RY12-related conditions. This variant is not present in population databases (gnomAD no frequency). This sequence change replaces asparagine, which is neutral and polar, with tyrosine, which is neutral and polar, at codon 191 of the P2RY12 protein (p.Asn191Tyr).